The following is an entry in ClinVar:

ClinVar aggregate classification (germline): Uncertain significance. Review status: criteria provided, multiple submitters, no conflicts (2 of 4 stars). 2 submissions from 2 submitters: Uncertain significance (2). Last evaluated 2024-01-17.

Conditions:
Birt-Hogg-Dube syndrome. Also called: Birt Hogg Dubé syndrome. Identifiers: Orphanet 122, MedGen C0346010, MONDO:0800444.
Hereditary cancer-predisposing syndrome. Also called: Neoplastic Syndromes, Hereditary; Hereditary Cancer Syndrome; Hereditary neoplastic syndrome; Tumor predisposition. Identifiers: Orphanet 140162, MedGen C0027672, MeSH D009386, MONDO:0015356.

Allele frequency attached by ClinVar (database versions not stated): gnomAD exomes below 0.00001.
gnomAD v4.1: 4 of 1,590,618 alleles (0.00025%); highest among the groups gnomAD compares: Non-Finnish European, 0.00026%; no homozygotes.

Submissions (2):

Labcorp Genetics (formerly Invitae), Labcorp
Classification: Uncertain significance for Birt-Hogg-Dube syndrome. Last evaluated: 2024-01-17. Review status: criteria provided, single submitter. Criteria: Invitae Variant Classification Sherloc (09022015). Collection method: clinical testing. Allele origin: germline.
Comment: This sequence change replaces arginine, which is basic and polar, with cysteine, which is neutral and slightly polar, at codon 137 of the FLCN protein (p.Arg137Cys). This variant is not present in population databases (gnomAD no frequency). This variant has not been reported in the literature in individuals affected with FLCN-related conditions. ClinVar contains an entry for this variant (Variation ID: 824591). Advanced modeling of protein sequence and biophysical properties (such as structural, functional, and spatial information, amino acid conservation, physicochemical variation, residue mobility, and thermodynamic stability) performed at Invitae indicates that this missense variant is expected to disrupt FLCN protein function with a positive predictive value of 80%. In summary, the available evidence is currently insufficient to determine the role of this variant in disease. Therefore, it has been classified as a Variant of Uncertain Significance.

Ambry Genetics
Classification: Uncertain significance for Hereditary cancer-predisposing syndrome. Last evaluated: 2023-03-01. Review status: criteria provided, single submitter. Criteria: Ambry Variant Classification Scheme 2023. Collection method: clinical testing. Allele origin: germline.
Comment: The p.R137C variant (also known as c.409C>T), located in coding exon 3 of the FLCN gene, results from a C to T substitution at nucleotide position 409. The arginine at codon 137 is replaced by cysteine, an amino acid with highly dissimilar properties. This amino acid position is highly conserved in available vertebrate species. In addition, this alteration is predicted to be deleterious by in silico analysis. Since supporting evidence is limited at this time, the clinical significance of this alteration remains unclear.

NM_144997.7(FLCN):c.409C>T (p.Arg137Cys)

Gene: FLCN (folliculin; minus strand). Cytogenetic location: 17p11.2.
Variant type: single nucleotide variant.
Coding change: c.409C>T on transcript NM_144997.7 (MANE Select); coding-DNA position 409, C replaced by T.
Protein change: p.Arg137Cys; replaces arginine 137 with cysteine.
Molecular consequence: missense variant.
Genome position (GRCh38, 1-based): chr17:17,224,131, G>A on the plus strand (C>T on the coding strand, the complement: FLCN is on the minus strand). VCF-style: chr17-17224131-G-A. GRCh37 (hg19) VCF-style: chr17-17127445-G-A.
Other names: c.463C>T, p.Arg155Cys (NM_001353229.2); c.409C>T, p.Arg137Cys (NM_001353230.2, NM_001353231.2, NM_144606.7); short protein forms R137C, R155C.
Identifiers: ClinVar variation 824591 (VCV000824591.9), dbSNP rs1597607464, ClinGen allele CA398534629.
Genomic context (GRCh38, chr17:17,224,131, plus strand): 5'-AGAAGGTGTGGCTGAACACAAAGCCGTGCTGCTCATCTCCGAAGAAGATGGGGCCTTCAC[G>A]GCCAGGGCAGACCTGGAGGGACACCGGCGACTCAGACAGCCCTTTCCTCGCTTAGTGACA-3'
Protein context (NP_659434.2, residues 127-147): RSLSCEVCPG[Arg137Cys]EGPIFFGDEQ